The following is an entry in ClinVar:

NM_001256071.3(RNF213):c.8861G>A (p.Arg2954His)

Gene: RNF213 (ring finger protein 213; plus strand). Cytogenetic location: 17q25.3.
Variant type: single nucleotide variant.
Coding change: c.8861G>A on transcript NM_001256071.3 (MANE Select); coding-DNA position 8861, G replaced by A.
Protein change: p.Arg2954His; replaces arginine 2954 with histidine.
Molecular consequence: missense variant.
Genome position (GRCh38, 1-based): chr17:80,347,196, G>A. VCF-style: chr17-80347196-G-A. GRCh37 (hg19) VCF-style: chr17-78320996-G-A.
Other names: c.9008G>A, p.Arg3003His (NM_001410195.1, NM_020914.5); short protein forms R2954H, R3003H.
Identifiers: ClinVar variation 4695164 (VCV004695164.1).

ClinVar aggregate classification (germline): Uncertain significance (1 of 4 stars; one submission).

gnomAD v4.1: 18 of 1,613,488 alleles (0.0011%); highest among the groups gnomAD compares: East Asian, 0.0045%; no homozygotes.

Submission:

Labcorp Genetics (formerly Invitae), Labcorp
Classification: Uncertain significance. Last evaluated: 2025-05-04. Review status: criteria provided, single submitter. Criteria: Invitae Variant Classification Sherloc (09022015). Collection method: clinical testing. Allele origin: germline.
Comment: This sequence change replaces arginine, which is basic and polar, with histidine, which is basic and polar, at codon 2954 of the RNF213 protein (p.Arg2954His). This variant is present in population databases (no rsID available, gnomAD 0.0009%). This variant has not been reported in the literature in individuals affected with RNF213-related conditions. Invitae Evidence Modeling of protein sequence and biophysical properties (such as structural, functional, and spatial information, amino acid conservation, physicochemical variation, residue mobility, and thermodynamic stability) has been performed for this missense variant. However, the output from this modeling did not meet the statistical confidence thresholds required to predict the impact of this variant on RNF213 protein function. In summary, the available evidence is currently insufficient to determine the role of this variant in disease. Therefore, it has been classified as a Variant of Uncertain Significance.